The following is an entry in ClinVar:

NM_177438.3(DICER1):c.668T>C (p.Ile223Thr)

Gene: DICER1 (dicer 1, ribonuclease III; minus strand). Cytogenetic location: 14q32.13.
Variant type: single nucleotide variant.
Coding change: c.668T>C on transcript NM_177438.3 (MANE Select); coding-DNA position 668, T replaced by C.
Protein change: p.Ile223Thr; replaces isoleucine 223 with threonine.
Molecular consequence: missense variant. On other transcripts: 5 prime UTR variant (1), non-coding transcript variant (6).
Genome position (GRCh38, 1-based): chr14:95,129,538, A>G on the plus strand (T>C on the coding strand, the complement: DICER1 is on the minus strand). VCF-style: chr14-95129538-A-G. GRCh37 (hg19) VCF-style: chr14-95595875-A-G.
Other names: c.668T>C, p.Ile223Thr (NM_001195573.1, NM_001271282.3, NM_001291628.2 and 14 more transcripts); c.386T>C, p.Ile129Thr (NM_001395686.1); c.263T>C, p.Ile88Thr (NM_001395687.1, NM_001395688.1, NM_001395689.1 and 3 more transcripts); c.101T>C, p.Ile34Thr (NM_001395691.1); c.-901T>C (NM_001395697.1); short protein forms I129T, I223T, I34T, I88T.
Identifiers: ClinVar variation 4636770 (VCV004636770.1).

ClinVar aggregate classification (germline): Uncertain significance (1 of 4 stars; one submission).

Conditions:
Hereditary cancer-predisposing syndrome. Also called: Neoplastic Syndromes, Hereditary; Tumor predisposition; Hereditary Cancer Syndrome; Hereditary neoplastic syndrome. Identifiers: Orphanet 140162, MedGen C0027672, MeSH D009386, MONDO:0015356.

Submission:

Ambry Genetics
Classification: Uncertain significance for Hereditary cancer-predisposing syndrome. Last evaluated: 2025-09-17. Review status: criteria provided, single submitter. Criteria: Ambry Variant Classification Scheme 2023. Collection method: clinical testing. Allele origin: germline.
Comment: The p.I223T variant (also known as c.668T>C), located in coding exon 5 of the DICER1 gene, results from a T to C substitution at nucleotide position 668. The isoleucine at codon 223 is replaced by threonine, an amino acid with similar properties. This amino acid position is conserved. In addition, this alteration is predicted to be deleterious by in silico analysis. Based on the available evidence, the clinical significance of this variant remains unclear.